The following is an entry in ClinVar:

ClinVar aggregate classification (germline): Uncertain significance (1 of 4 stars; one submission).

Conditions:
Mitochondrial complex II deficiency, nuclear type 1. Also called: SUCCINATE CoQ REDUCTASE DEFICIENCY. Identifiers: Orphanet 3208, MedGen C5700310, MONDO:0100294, OMIM 252011.
Pheochromocytoma/paraganglioma syndrome 5. Also called: Paragangliomas 5; SDHA-Related Hereditary Paraganglioma-Pheochromocytoma Syndrome. Identifiers: Orphanet 29072, MedGen C3279992, MONDO:0013602, OMIM 614165.

Submission:

Labcorp Genetics (formerly Invitae), Labcorp
Classification: Uncertain significance for Pheochromocytoma/paraganglioma syndrome 5; Mitochondrial complex II deficiency, nuclear type 1. Last evaluated: 2019-10-12. Review status: criteria provided, single submitter. Criteria: Invitae Variant Classification Sherloc (09022015). Collection method: clinical testing. Allele origin: germline.
Comment: This variant has not been reported in the literature in individuals with SDHA-related conditions. This variant is not present in population databases (ExAC no frequency). This sequence change replaces glutamic acid with glycine at codon 651 of the SDHA protein (p.Glu651Gly). The glutamic acid residue is moderately conserved and there is a moderate physicochemical difference between glutamic acid and glycine. Algorithms developed to predict the effect of missense changes on protein structure and function are either unavailable or do not agree on the potential impact of this missense change (SIFT: "Tolerated"; PolyPhen-2: "Possibly Damaging"; Align-GVGD: "Class C0"). In summary, the available evidence is currently insufficient to determine the role of this variant in disease. Therefore, it has been classified as a Variant of Uncertain Significance.

NM_004168.4(SDHA):c.1952A>G (p.Glu651Gly)

Gene: SDHA (succinate dehydrogenase complex flavoprotein subunit A; plus strand). Cytogenetic location: 5p15.33.
Variant type: single nucleotide variant.
Coding change: c.1952A>G on transcript NM_004168.4 (MANE Select); coding-DNA position 1952, A replaced by G.
Protein change: p.Glu651Gly; replaces glutamic acid 651 with glycine.
Molecular consequence: missense variant.
Genome position (GRCh38, 1-based): chr5:256,377, A>G. VCF-style: chr5-256377-A-G. GRCh37 (hg19) VCF-style: chr5-256492-A-G.
Other names: c.1808A>G, p.Glu603Gly (NM_001294332.2); c.1709A>G, p.Glu570Gly (NM_001330758.2); short protein forms E570G, E651G, E603G.
Identifiers: ClinVar variation 970737 (VCV000970737.10), dbSNP rs1737189246, ClinGen allele CA359002911.